The following is an entry in ClinVar:

NM_138638.5(CFL2):c.*605T>C

Gene: CFL2 (cofilin 2; minus strand). Cytogenetic location: 14q13.1.
Variant type: single nucleotide variant.
Coding change: c.*605T>C on transcript NM_138638.5 (MANE Select); 605 bases downstream of the stop codon, T replaced by C.
Molecular consequence: 3 prime UTR variant. On other transcripts: non-coding transcript variant (2).
Genome position (GRCh38, 1-based): chr14:34,712,260, A>G on the plus strand (T>C on the coding strand, the complement: CFL2 is on the minus strand). VCF-style: chr14-34712260-A-G. GRCh37 (hg19) VCF-style: chr14-35181466-A-G.
Other names: c.*605T>C (NM_001243645.2, NM_021914.8).
Identifiers: ClinVar variation 881819 (VCV000881819.4), dbSNP rs138260417, ClinGen allele CA7152208.

ClinVar aggregate classification (germline): Likely benign (1 of 4 stars; one submission).

Conditions:
Nemaline myopathy 7 (NEM7). Also called: Nemaline myopathy 7, autosomal recessive. Identifiers: Orphanet 171436, MedGen C1853154, MONDO:0012538, OMIM 610687.

Allele frequency attached by ClinVar (database versions not stated): gnomAD 0.00031 and 0.00042; TOPMed 0.00046; gnomAD exomes 0.00063 and 0.00095; ExAC 0.00097; 1000 Genomes Project 30x 0.00156; 1000 Genomes Project 0.00200.
gnomAD v4.1: 252 of 454,576 alleles (0.055%); highest among the groups gnomAD compares: East Asian, 0.99%; 1 homozygote.

Submission:

Illumina Laboratory Services, Illumina
Classification: Likely benign for Nemaline myopathy 7. Last evaluated: 2018-01-13. Review status: criteria provided, single submitter. Criteria: ICSL Variant Classification Criteria 13 December 2019. Collection method: clinical testing. Allele origin: germline.
Comment: This variant was observed in the ICSL laboratory as part of a predisposition screen in an ostensibly healthy population. It had not been previously curated by ICSL or reported in the Human Gene Mutation Database (HGMD: prior to June 1st, 2018), and was therefore a candidate for classification through an automated scoring system. Utilizing variant allele frequency, disease prevalence and penetrance estimates, and inheritance mode, an automated score was calculated to assess if this variant is too frequent to cause the disease. Based on the score and internal cut-off values, a variant classified as likely benign is not then subjected to further curation. The score for this variant resulted in a classification of likely benign for this disease.